The following is an entry in ClinVar:

NM_004360.5(CDH1):c.999G>T (p.Leu333=)

Gene: CDH1 (cadherin 1; plus strand). Cytogenetic location: 16q22.1.
Variant type: single nucleotide variant.
Coding change: c.999G>T on transcript NM_004360.5 (MANE Select); coding-DNA position 999, G replaced by T.
Protein change: p.Leu333=; no amino-acid change (leucine 333 retained).
Molecular consequence: synonymous variant. On other transcripts: 5 prime UTR variant (2).
Genome position (GRCh38, 1-based): chr16:68,811,850, G>T. VCF-style: chr16-68811850-G-T. GRCh37 (hg19) VCF-style: chr16-68845753-G-T.
Other names: c.999G>T, p.Leu333= (NM_001317184.2); c.-617G>T (NM_001317185.2); c.-821G>T (NM_001317186.2).
Identifiers: ClinVar variation 1318929 (VCV001318929.3), dbSNP rs1555515662, ClinGen allele CA496152989.

ClinVar aggregate classification (germline): Conflicting classifications of pathogenicity. Review status: criteria provided, conflicting classifications (1 of 4 stars). 2 submissions from 2 submitters: Uncertain significance (1); Likely benign (1). Last evaluated 2025-04-06.

Conditions:
Hereditary cancer-predisposing syndrome. Also called: Hereditary neoplastic syndrome; Neoplastic Syndromes, Hereditary; Tumor predisposition; Hereditary Cancer Syndrome. Identifiers: Orphanet 140162, MedGen C0027672, MeSH D009386, MONDO:0015356.

Submissions (2):

Ambry Genetics
Classification: Likely benign for Hereditary cancer-predisposing syndrome. Last evaluated: 2025-04-06. Review status: criteria provided, single submitter. Criteria: Ambry Variant Classification Scheme 2023. Collection method: clinical testing. Allele origin: germline.

GeneDx
Classification: Uncertain significance. Last evaluated: 2019-09-03. Review status: criteria provided, single submitter. Criteria: GeneDx Variant Classification Process June 2021. Collection method: clinical testing. Allele origin: germline. Affected: yes.
Comment: Not observed in large population cohorts (Lek et al., 2016); In silico analysis, which includes splice predictors and evolutionary conservation, supports that this variant does not alter protein structure/function; Has not been previously published as pathogenic or benign to our knowledge